The following is an entry in ClinVar:

NM_001377458.1(CLCC1):c.425A>G (p.Asn142Ser)

Gene: CLCC1 (chloride channel CLIC like 1; minus strand). Cytogenetic location: 1p13.3.
Variant type: single nucleotide variant.
Coding change: c.425A>G on transcript NM_001377458.1 (MANE Select); coding-DNA position 425, A replaced by G.
Protein change: p.Asn142Ser; replaces asparagine 142 with serine.
Molecular consequence: missense variant. On other transcripts: non-coding transcript variant (1), intron variant (3).
Genome position (GRCh38, 1-based): chr1:108,943,972, T>C on the plus strand (A>G on the coding strand, the complement: CLCC1 is on the minus strand). VCF-style: chr1-108943972-T-C. GRCh37 (hg19) VCF-style: chr1-109486594-T-C.
Other names: c.425A>G (NM_001048210.1); c.425A>G, p.Asn142Ser (NM_001048210.3, NM_001377459.1, NM_001377460.1 and 8 more transcripts); c.323A>G, p.Asn108Ser (NM_001377469.1); c.134A>G, p.Asn45Ser (NM_001377470.1); c.340-65A>G (NM_015127.5); c.340-2474A>G (NM_001278202.2); c.339+3639A>G (NM_001278203.1); short protein forms N142S, N108S, N45S.
Identifiers: ClinVar variation 938854 (VCV000938854.5), dbSNP rs116874952, ClinGen allele CA983596.

ClinVar aggregate classification (germline): Conflicting classifications of pathogenicity. Review status: criteria provided, conflicting classifications (1 of 4 stars). 2 submissions from 2 submitters: Uncertain significance (1); Likely benign (1). Last evaluated 2025-08-19.

Allele frequency attached by ClinVar (database versions not stated): gnomAD 0.00004 and 0.00014; TOPMed 0.00006; gnomAD exomes 0.00011 and 0.00012; ExAC 0.00013; 1000 Genomes Project 30x 0.00031; 1000 Genomes Project 0.00040.

Submissions (2):

Ambry Genetics
Classification: Likely benign. Last evaluated: 2025-08-19. Review status: criteria provided, single submitter. Criteria: Ambry Variant Classification Scheme 2023. Collection method: clinical testing. Allele origin: germline.

Labcorp Genetics (formerly Invitae), Labcorp
Classification: Uncertain significance. Last evaluated: 2022-04-30. Review status: criteria provided, single submitter. Criteria: Invitae Variant Classification Sherloc (09022015). Collection method: clinical testing. Allele origin: germline.
Comment: This sequence change replaces asparagine, which is neutral and polar, with serine, which is neutral and polar, at codon 142 of the CLCC1 protein (p.Asn142Ser). This variant is present in population databases (rs116874952, gnomAD 0.1%). This missense change has been observed in individual(s) with clinical features of CLCC1-related conditions (Invitae). ClinVar contains an entry for this variant (Variation ID: 938854). Algorithms developed to predict the effect of missense changes on protein structure and function output the following: SIFT: "Tolerated"; PolyPhen-2: "Benign"; Align-GVGD: "Class C0". The serine amino acid residue is found in multiple mammalian species, which suggests that this missense change does not adversely affect protein function. In summary, the available evidence is currently insufficient to determine the role of this variant in disease. Therefore, it has been classified as a Variant of Uncertain Significance.